The following is an entry in ClinVar:

ClinVar aggregate classification (germline): Uncertain significance. Review status: criteria provided, multiple submitters, no conflicts (2 of 4 stars). 2 submissions from 2 submitters: Uncertain significance (2). Last evaluated 2025-08-31.

Conditions:
Epileptic encephalopathy. Identifiers: MedGen C0543888, HP:0200134.

Allele frequency attached by ClinVar (database versions not stated): gnomAD exomes below 0.00001; TOPMed 0.00001; gnomAD 0.00001.

Submissions (2):

Ambry Genetics
Classification: Uncertain significance. Last evaluated: 2025-08-31. Review status: criteria provided, single submitter. Criteria: Ambry Variant Classification Scheme 2023. Collection method: clinical testing. Allele origin: germline.

Labcorp Genetics (formerly Invitae), Labcorp
Classification: Uncertain significance for Epileptic encephalopathy. Last evaluated: 2025-08-04. Review status: criteria provided, single submitter. Criteria: Invitae Variant Classification Sherloc (09022015). Collection method: clinical testing. Allele origin: germline.
Comment: This sequence change replaces glycine, which is neutral and non-polar, with serine, which is neutral and polar, at codon 1967 of the FASN protein (p.Gly1967Ser). This variant is not present in population databases (gnomAD no frequency). This variant has not been reported in the literature in individuals affected with FASN-related conditions. ClinVar contains an entry for this variant (Variation ID: 2729227). An algorithm developed to predict the effect of missense changes on protein structure and function (PolyPhen-2) suggests that this variant is likely to be disruptive. In summary, the available evidence is currently insufficient to determine the role of this variant in disease. Therefore, it has been classified as a Variant of Uncertain Significance.

NM_004104.5(FASN):c.5899G>A (p.Gly1967Ser)

Gene: FASN (fatty acid synthase; minus strand). Cytogenetic location: 17q25.3.
Variant type: single nucleotide variant.
Coding change: c.5899G>A on transcript NM_004104.5 (MANE Select); coding-DNA position 5899, G replaced by A.
Protein change: p.Gly1967Ser; replaces glycine 1967 with serine.
Molecular consequence: missense variant.
Genome position (GRCh38, 1-based): chr17:82,082,547, C>T on the plus strand (G>A on the coding strand, the complement: FASN is on the minus strand). VCF-style: chr17-82082547-C-T. GRCh37 (hg19) VCF-style: chr17-80040423-C-T.
Other names: c.5899G>A (NM_004104.4); short protein forms G1967S.
Identifiers: ClinVar variation 2729227 (VCV002729227.4), dbSNP rs762818929, ClinGen allele CA8851513.
Genomic context (GRCh38, chr17:82,082,547, plus strand): 5'-CTTGGGGCTTTTGAGGGCCCCATTTGGGGCCTTCCCTCACCACGGCCAGGTTGAAGACGC[C>T]GCCCACGGGCCCAAGCTGCGCCGCCTCGGCAATGAGGCCCCGGGCCCCCTCCAGTGAGCT-3'
Protein context (NP_004095.4, residues 1957-1977): AEAAQLGPVG[Gly1967Ser]VFNLAVVLRD